The following is an entry in ClinVar:

NM_000535.7(PMS2):c.354-20T>C

Gene: PMS2 (PMS1 homolog 2, mismatch repair system component; minus strand). Cytogenetic location: 7p22.1.
Variant type: single nucleotide variant.
Coding change: c.354-20T>C on transcript NM_000535.7 (MANE Select); 20 bases into the intron before coding-DNA position 354, T replaced by C.
Molecular consequence: intron variant. On other transcripts: missense variant (1).
Genome position (GRCh38, 1-based): chr7:6,002,656, A>G on the plus strand (T>C on the coding strand, the complement: PMS2 is on the minus strand). VCF-style: chr7-6002656-A-G. GRCh37 (hg19) VCF-style: chr7-6042287-A-G.
Other names: c.25T>C, p.Cys9Arg (NM_001322015.2); c.36-20T>C (NM_001322008.2, NM_001322007.2); c.-52-20T>C (NM_001322010.2, NM_001322004.2, NM_001322013.2 and 3 more transcripts); c.-531-20T>C (NM_001322012.2, NM_001322011.2); c.354-20T>C (NM_001322006.2, NM_001322014.2); short protein forms C9R.
Identifiers: ClinVar variation 1591567 (VCV001591567.9), dbSNP rs778014939, ClinGen allele CA049421.

ClinVar aggregate classification (germline): Likely benign. Review status: criteria provided, multiple submitters, no conflicts (2 of 4 stars). 2 submissions from 2 submitters: Likely benign (2). Last evaluated 2026-01-11.

Conditions:
Hereditary nonpolyposis colorectal neoplasms. Identifiers: MedGen C0009405, MeSH D003123.
Lynch syndrome 4 (LYNCH4). Also called: Colorectal cancer, hereditary nonpolyposis, type 4; Hereditary non-polyposis colorectal cancer, type 4. Identifiers: Orphanet 144, MedGen C1838333, MONDO:0013699, OMIM 614337. Disease mechanism: loss of function.

Allele frequency attached by ClinVar (database versions not stated): gnomAD exomes below 0.00001; ExAC 0.00001; gnomAD 0.00001; TOPMed 0.00002.
gnomAD v4.1: 3 of 1,600,264 alleles (0.00019%); highest among the groups gnomAD compares: African/African-American, 0.0027%; no homozygotes.

Submissions (2):

Labcorp Genetics (formerly Invitae), Labcorp
Classification: Likely benign for Hereditary nonpolyposis colorectal neoplasms. Last evaluated: 2026-01-11. Review status: criteria provided, single submitter. Criteria: Invitae Variant Classification Sherloc (09022015). Collection method: clinical testing. Allele origin: germline.

Myriad Genetics, Inc.
Classification: Likely benign for Lynch syndrome 4. Last evaluated: 2025-01-24. Review status: criteria provided, single submitter. Criteria: Myriad Autosomal Dominant, Autosomal Recessive and X-Linked Classification Criteria (2023). Collection method: clinical testing. Allele origin: unknown.
Comment: This variant is considered likely benign. This variant is intronic and is not expected to impact mRNA splicing.